The following is an entry in ClinVar:

NM_005159.5(ACTC1):c.477T>G (p.Asp159Glu)

Genes: ACTC1 (actin alpha cardiac muscle 1; minus strand), GJD2-DT (GJD2 divergent transcript; plus strand). Cytogenetic location: 15q14.
Variant type: single nucleotide variant.
Coding change: c.477T>G on transcript NM_005159.5 (MANE Select); coding-DNA position 477, T replaced by G.
Protein change: p.Asp159Glu; replaces aspartic acid 159 with glutamic acid.
Molecular consequence: missense variant.
Genome position (GRCh38, 1-based): chr15:34,792,547, A>C on the plus strand (T>G on the coding strand, the complement: ACTC1 is on the minus strand). VCF-style: chr15-34792547-A-C. GRCh37 (hg19) VCF-style: chr15-35084748-A-C.
Other names: c.477T>G (LRG_388t1); short protein forms D159E.
Identifiers: ClinVar variation 264401 (VCV000264401.13), dbSNP rs886039144, ClinGen allele CA10587782.

ClinVar aggregate classification (germline): Uncertain significance. Review status: criteria provided, multiple submitters, no conflicts (2 of 4 stars). 2 submissions from 2 submitters: Uncertain significance (2). Last evaluated 2020-08-03.

Conditions:
Atrial septal defect 5 (ASD5). Identifiers: Orphanet 1478, MedGen C2748552, MONDO:0013011, OMIM 612794.
Hypertrophic cardiomyopathy 11. Also called: ACTC1-Related Familial Hypertrophic Cardiomyopathy. Identifiers: MedGen C2677506, MONDO:0012799, OMIM 612098.
Dilated cardiomyopathy 1R (CMD1R). Identifiers: Orphanet 154, Orphanet 54260, MedGen C3150681, MONDO:0013261, OMIM 613424.
Cardiovascular phenotype. Identifiers: MedGen CN230736.

Submissions (2):

Labcorp Genetics (formerly Invitae), Labcorp
Classification: Uncertain significance for Dilated cardiomyopathy 1R; Hypertrophic cardiomyopathy 11; Atrial septal defect 5. Last evaluated: 2020-08-03. Review status: criteria provided, single submitter. Criteria: Invitae Variant Classification Sherloc (09022015). Collection method: clinical testing. Allele origin: germline.
Comment: In summary, the available evidence is currently insufficient to determine the role of this variant in disease. Therefore, it has been classified as a Variant of Uncertain Significance. Algorithms developed to predict the effect of missense changes on protein structure and function (SIFT, PolyPhen-2, Align-GVGD) all suggest that this variant is likely to be disruptive, but these predictions have not been confirmed by published functional studies and their clinical significance is uncertain. This variant has not been reported in the literature in individuals with ACTC1-related conditions. ClinVar contains an entry for this variant (Variation ID: 264401). This variant is not present in population databases (ExAC no frequency). This sequence change replaces aspartic acid with glutamic acid at codon 159 of the ACTC1 protein (p.Asp159Glu). The aspartic acid residue is highly conserved and there is a small physicochemical difference between aspartic acid and glutamic acid.

Ambry Genetics
Classification: Uncertain significance for Cardiovascular phenotype. Last evaluated: 2015-10-27. Review status: criteria provided, single submitter. Criteria: Ambry Variant Classification Scheme 2023. Collection method: clinical testing. Allele origin: germline.
Comment: The p.D159E variant (also known as c.477T>G), located in coding exon 3 of the ACTC1 gene, results from a T to G substitution at nucleotide position 477. The aspartic acid at codon 159 is replaced by glutamic acid, an amino acid with highly similar properties. This variant was not reported in population based cohorts in the following databases: Database of Single Nucleotide Polymorphisms (dbSNP), NHLBI Exome Sequencing Project (ESP), and 1000 Genomes Project. In the ESP, this variant was not observed in 6499 samples (12998 alleles) with coverage at this position. In addition, an alteration affecting the same amino acid, p.D159N (c.475G>A), was reported in an individual with dilated cardiomyopathy (DCM) who also had alterations in other cardiac-related genes (Pugh TJ et al. Genet Med. 2014;16(8):601-8). This amino acid position is highly conserved in available vertebrate species. In addition, the in silico prediction for this alteration is inconclusive. Since supporting evidence is limited at this time, the clinical significance of this variant remains unclear.